The following is an entry in ClinVar:

ClinVar aggregate classification (germline): Conflicting classifications of pathogenicity. Review status: criteria provided, conflicting classifications (1 of 4 stars). 3 submissions from 3 submitters: Likely pathogenic (1); Uncertain significance (2). Last evaluated 2025-11-07.

Conditions:
Neonatal-onset encephalopathy with rigidity and seizures. Also called: Lethal neonatal spasticity-epileptic encephalopathy syndrome. Identifiers: Orphanet 435845, MedGen C3281029, MONDO:0013784, OMIM 614498.

Allele frequency attached by ClinVar (database versions not stated): gnomAD 0.00004 and 0.00003; ExAC 0.00002; gnomAD exomes 0.00002 and 0.00003; TOPMed 0.00003.
gnomAD v4.1: 50 of 1,607,592 alleles (0.0031%); highest among the groups gnomAD compares: Non-Finnish European, 0.0042%; no homozygotes.

Submissions (3):

GeneDx
Classification: Likely pathogenic. Last evaluated: 2025-11-07. Review status: criteria provided, single submitter. Criteria: GeneDx Variant Classification Process June 2021. Collection method: clinical testing. Allele origin: germline. Affected: yes.
Comment: Not observed at significant frequency in large population cohorts (gnomAD); In silico analysis suggests that this missense variant does not alter protein structure/function; This variant is associated with the following publications: (PMID: 29997391, 37344571, 36367347)

Labcorp Genetics (formerly Invitae), Labcorp
Classification: Uncertain significance for Neonatal-onset encephalopathy with rigidity and seizures. Last evaluated: 2022-02-13. Review status: criteria provided, single submitter. Criteria: Invitae Variant Classification Sherloc (09022015). Collection method: clinical testing. Allele origin: germline.
Comment: This sequence change replaces alanine, which is neutral and non-polar, with valine, which is neutral and non-polar, at codon 164 of the BRAT1 protein (p.Ala164Val). This variant is present in population databases (rs771600489, gnomAD 0.004%). This missense change has been observed in individual(s) with clinical features of BRAT1-related conditions (PMID: 29997391). ClinVar contains an entry for this variant (Variation ID: 451290). Algorithms developed to predict the effect of missense changes on protein structure and function are either unavailable or do not agree on the potential impact of this missense change (SIFT: "Deleterious"; PolyPhen-2: "Probably Damaging"; Align-GVGD: "Class C0"). Algorithms developed to predict the effect of sequence changes on RNA splicing suggest that this variant may create or strengthen a splice site. In summary, the available evidence is currently insufficient to determine the role of this variant in disease. Therefore, it has been classified as a Variant of Uncertain Significance.

Genetic Services Laboratory, University of Chicago
Classification: Uncertain significance. Last evaluated: 2017-12-13. Review status: criteria provided, single submitter. Criteria: ACMG Guidelines, 2015. Collection method: clinical testing. Allele origin: germline. Affected: no.

Literature cited by the submitters: PubMed 29997391 (cited by Labcorp Genetics (formerly Invitae), Labcorp).

NM_152743.4(BRAT1):c.491C>T (p.Ala164Val)

Gene: BRAT1 (BRCA1 associated ATM activator 1; minus strand). Cytogenetic location: 7p22.3.
Variant type: single nucleotide variant.
Coding change: c.491C>T on transcript NM_152743.4 (MANE Select); coding-DNA position 491, C replaced by T.
Protein change: p.Ala164Val; replaces alanine 164 with valine.
Molecular consequence: missense variant. On other transcripts: 5 prime UTR variant (1), non-coding transcript variant (1).
Genome position (GRCh38, 1-based): chr7:2,543,902, G>A on the plus strand (C>T on the coding strand, the complement: BRAT1 is on the minus strand). VCF-style: chr7-2543902-G-A. GRCh37 (hg19) VCF-style: chr7-2583536-G-A.
Other names: c.491C>T, p.Ala164Val (NM_001350626.2); c.-35C>T (NM_001350627.2); short protein forms A164V.
Identifiers: ClinVar variation 451290 (VCV000451290.15), dbSNP rs771600489, ClinGen allele CA4128182.